The following is an entry in ClinVar:

ClinVar aggregate classification (germline): Uncertain significance. Review status: criteria provided, multiple submitters, no conflicts (2 of 4 stars). 2 submissions from 2 submitters: Uncertain significance (2). Last evaluated 2026-01-29.

Allele frequency attached by ClinVar (database versions not stated): gnomAD exomes 0.00002 and below 0.00001; 1000 Genomes Project 30x 0.00031; 1000 Genomes Project 0.00040; gnomAD 0.00001; ExAC 0.00003.
gnomAD v4.1: 8 of 1,613,814 alleles (0.0005%); highest among the groups gnomAD compares: South Asian, 0.0088%; no homozygotes.

Submissions (2):

GeneDx
Classification: Uncertain significance. Last evaluated: 2026-01-29. Review status: criteria provided, single submitter. Criteria: GeneDx Variant Classification Process June 2021. Collection method: clinical testing. Allele origin: germline.
Comment: In silico analysis supports that this missense variant has a deleterious effect on protein structure/function; Has not been previously published as pathogenic or benign to our knowledge

Labcorp Genetics (formerly Invitae), Labcorp
Classification: Uncertain significance. Last evaluated: 2022-07-17. Review status: criteria provided, single submitter. Criteria: Invitae Variant Classification Sherloc (09022015). Collection method: clinical testing. Allele origin: germline.
Comment: This sequence change replaces tyrosine, which is neutral and polar, with cysteine, which is neutral and slightly polar, at codon 322 of the OCA2 protein (p.Tyr322Cys). This variant is present in population databases (rs573678989, gnomAD 0.02%). This missense change has been observed in individual(s) with clinical features of ocular albinism (Invitae). In at least one individual the data is consistent with being in trans (on the opposite chromosome) from a pathogenic variant. ClinVar contains an entry for this variant (Variation ID: 1360602). Advanced modeling of protein sequence and biophysical properties (such as structural, functional, and spatial information, amino acid conservation, physicochemical variation, residue mobility, and thermodynamic stability) performed at Invitae indicates that this missense variant is not expected to disrupt OCA2 protein function. In summary, the available evidence is currently insufficient to determine the role of this variant in disease. Therefore, it has been classified as a Variant of Uncertain Significance.

NM_000275.3(OCA2):c.965A>G (p.Tyr322Cys)

Gene: OCA2 (OCA2 melanosomal transmembrane protein; minus strand). Cytogenetic location: 15q13.1.
Variant type: single nucleotide variant.
Coding change: c.965A>G on transcript NM_000275.3 (MANE Select); coding-DNA position 965, A replaced by G.
Protein change: p.Tyr322Cys; replaces tyrosine 322 with cysteine.
Molecular consequence: missense variant.
Genome position (GRCh38, 1-based): chr15:28,014,855, T>C on the plus strand (A>G on the coding strand, the complement: OCA2 is on the minus strand). VCF-style: chr15-28014855-T-C. GRCh37 (hg19) VCF-style: chr15-28260001-T-C.
Other names: c.965A>G, p.Tyr322Cys (NM_001300984.2); c.965A>G (NM_000275.2); short protein forms Y322C.
Identifiers: ClinVar variation 1360602 (VCV001360602.6), dbSNP rs573678989, ClinGen allele CA7439278.